The following is an entry in ClinVar:

NM_000051.4(ATM):c.5570C>A (p.Ser1857Ter)

Gene: ATM (ATM serine/threonine kinase; plus strand). Cytogenetic location: 11q22.3.
Variant type: single nucleotide variant.
Coding change: c.5570C>A on transcript NM_000051.4 (MANE Select); coding-DNA position 5570, C replaced by A.
Protein change: p.Ser1857Ter; replaces serine 1857 with a stop codon.
Molecular consequence: nonsense.
Genome position (GRCh38, 1-based): chr11:108,304,748, C>A. VCF-style: chr11-108304748-C-A. GRCh37 (hg19) VCF-style: chr11-108175475-C-A.
Other names: c.5570C>A, p.Ser1857Ter (NM_001351834.2); short protein forms S1857*.
Identifiers: ClinVar variation 1174914 (VCV001174914.7), dbSNP rs2135944016, ClinGen allele CA382546081.

ClinVar aggregate classification (germline): Pathogenic. Review status: criteria provided, single submitter (1 of 4 stars). 4 submissions from 4 submitters: Pathogenic (1). 3 of the submissions do not count toward it. Last evaluated 2024-01-25.

Conditions:
Familial cancer of breast. Also called: hereditary breast carcinoma; Hereditary breast cancer; BREAST CANCER, FAMILIAL. Identifiers: Orphanet 227535, MedGen C0346153, MONDO:0016419, OMIM 114480. Disease mechanism: loss of function.

Submissions (4):

Myriad Genetics, Inc.
Classification: Pathogenic for Familial cancer of breast. Last evaluated: 2024-01-25. Review status: criteria provided, single submitter. Criteria: Myriad Autosomal Dominant, Autosomal Recessive and X-Linked Classification Criteria (2023). Collection method: clinical testing. Allele origin: unknown.
Comment: This variant is considered pathogenic. This variant creates a termination codon and is predicted to result in premature protein truncation.

Clinical Genetics Laboratory, Department of Pathology, Netherlands Cancer Institute
Classification: Pathogenic. Review status: no assertion criteria provided. Collection method: clinical testing. Allele origin: germline. Affected: yes. Study: VKGL Data-share Consensus. Not counted in ClinVar's aggregate classification.

Diagnostic Laboratory, Department of Genetics, University Medical Center Groningen
Classification: Pathogenic. Review status: no assertion criteria provided. Collection method: clinical testing. Allele origin: germline. Affected: yes. Study: VKGL Data-share Consensus. Not counted in ClinVar's aggregate classification.

Joint Genome Diagnostic Labs from Nijmegen and Maastricht, Radboudumc and MUMC+
Classification: Pathogenic. Review status: no assertion criteria provided. Collection method: clinical testing. Allele origin: germline. Affected: yes. Study: VKGL Data-share Consensus. Not counted in ClinVar's aggregate classification.